The following is an entry in ClinVar:

NM_000551.4(VHL):c.228C>T (p.Phe76=)

Gene: VHL (von Hippel-Lindau tumor suppressor; plus strand). Cytogenetic location: 3p25.3.
Variant type: single nucleotide variant.
Coding change: c.228C>T on transcript NM_000551.4 (MANE Select); coding-DNA position 228, C replaced by T.
Protein change: p.Phe76=; no amino-acid change (phenylalanine 76 retained).
Molecular consequence: synonymous variant.
Genome position (GRCh38, 1-based): chr3:10,142,075, C>T. VCF-style: chr3-10142075-C-T. GRCh37 (hg19) VCF-style: chr3-10183759-C-T.
Other names: c.228C>T, p.Phe76= (NM_001354723.2, NM_198156.3).
Identifiers: ClinVar variation 821039 (VCV000821039.10), dbSNP rs1575921940, ClinGen allele CA432536437.

ClinVar aggregate classification (germline): Benign/Likely benign. Review status: criteria provided, multiple submitters, no conflicts (2 of 4 stars). 3 submissions from 3 submitters: Benign (1); Likely benign (2). Last evaluated 2025-06-10.

Conditions:
Hereditary cancer-predisposing syndrome. Also called: Hereditary Cancer Syndrome; Neoplastic Syndromes, Hereditary; Hereditary neoplastic syndrome; Tumor predisposition. Identifiers: Orphanet 140162, MedGen C0027672, MeSH D009386, MONDO:0015356.
Von Hippel-Lindau syndrome (VHLS). Also called: VHL syndrome; Von Hippel-Lindau; von Hippel–Lindau syndrome. Identifiers: Orphanet 892, MedGen C0019562, MONDO:0008667, OMIM 193300. Disease mechanism: loss of function.
Chuvash polycythemia. Also called: POLYCYTHEMIA, VHL-DEPENDENT. Identifiers: Orphanet 238557, MedGen C1837915, MONDO:0009892, OMIM 263400.

Submissions (3):

Myriad Genetics, Inc.
Classification: Benign for Von Hippel-Lindau syndrome. Last evaluated: 2025-06-10. Review status: criteria provided, single submitter. Criteria: Myriad Autosomal Dominant, Autosomal Recessive and X-Linked Classification Criteria (2023). Collection method: clinical testing. Allele origin: unknown.
Comment: This variant is considered benign. This variant is a silent/synonymous amino acid change and it is not expected to impact splicing.

Labcorp Genetics (formerly Invitae), Labcorp
Classification: Likely benign for Von Hippel-Lindau syndrome; Chuvash polycythemia. Last evaluated: 2024-09-06. Review status: criteria provided, single submitter. Criteria: Invitae Variant Classification Sherloc (09022015). Collection method: clinical testing. Allele origin: germline.

Ambry Genetics
Classification: Likely benign for Hereditary cancer-predisposing syndrome. Last evaluated: 2019-09-18. Review status: criteria provided, single submitter. Criteria: Ambry Variant Classification Scheme 2023. Collection method: clinical testing. Allele origin: germline.